The following is an entry in ClinVar:

ClinVar aggregate classification (germline): Uncertain significance (1 of 4 stars; one submission).

Conditions:
Atrial fibrillation, familial, 14 (ATFB14). Identifiers: MedGen C3809312, MONDO:0014156, OMIM 615378.

Allele frequency attached by ClinVar (database versions not stated): gnomAD exomes below 0.00001.

Submission:

Labcorp Genetics (formerly Invitae), Labcorp
Classification: Uncertain significance for Atrial fibrillation, familial, 14. Last evaluated: 2019-01-06. Review status: criteria provided, single submitter. Criteria: Invitae Variant Classification Sherloc (09022015). Collection method: clinical testing. Allele origin: germline.
Comment: In summary, the available evidence is currently insufficient to determine the role of this variant in disease. Therefore, it has been classified as a Variant of Uncertain Significance. Algorithms developed to predict the effect of missense changes on protein structure and function are either unavailable or do not agree on the potential impact of this missense change (SIFT: "Deleterious"; PolyPhen-2: "Benign"; Align-GVGD: "Class C0"). This variant has not been reported in the literature in individuals with SCN2B-related conditions. This variant is not present in population databases (ExAC no frequency). This sequence change replaces glutamic acid with glycine at codon 188 of the SCN2B protein (p.Glu188Gly). The glutamic acid residue is moderately conserved and there is a moderate physicochemical difference between glutamic acid and glycine.

NM_004588.5(SCN2B):c.563A>G (p.Glu188Gly)

Gene: SCN2B (sodium voltage-gated channel beta subunit 2; minus strand). Cytogenetic location: 11q23.3.
Variant type: single nucleotide variant.
Coding change: c.563A>G on transcript NM_004588.5 (MANE Select); coding-DNA position 563, A replaced by G.
Protein change: p.Glu188Gly; replaces glutamic acid 188 with glycine.
Molecular consequence: missense variant.
Genome position (GRCh38, 1-based): chr11:118,166,972, T>C on the plus strand (A>G on the coding strand, the complement: SCN2B is on the minus strand). VCF-style: chr11-118166972-T-C. GRCh37 (hg19) VCF-style: chr11-118037687-T-C.
Other names: short protein forms E188G.
Identifiers: ClinVar variation 839407 (VCV000839407.9), dbSNP rs1948388818, ClinGen allele CA382783572.